The following is an entry in ClinVar:

ClinVar aggregate classification (germline): Pathogenic. Review status: criteria provided, multiple submitters, no conflicts (2 of 4 stars). 5 submissions from 5 submitters: Pathogenic (4). 1 of the submissions does not count toward it. Last evaluated 2021-05-05.

Conditions:
Von Hippel-Lindau syndrome (VHLS). Also called: Von Hippel-Lindau; von Hippel–Lindau syndrome; VHL syndrome. Identifiers: Orphanet 892, MedGen C0019562, MONDO:0008667, OMIM 193300. Disease mechanism: loss of function.
Chuvash polycythemia. Also called: POLYCYTHEMIA, VHL-DEPENDENT. Identifiers: Orphanet 238557, MedGen C1837915, MONDO:0009892, OMIM 263400.
Hereditary cancer-predisposing syndrome. Also called: Tumor predisposition; Hereditary neoplastic syndrome; Neoplastic Syndromes, Hereditary; Hereditary Cancer Syndrome. Identifiers: Orphanet 140162, MedGen C0027672, MeSH D009386, MONDO:0015356.

Submissions (5):

Ambry Genetics
Classification: Pathogenic for Hereditary cancer-predisposing syndrome. Last evaluated: 2021-05-05. Review status: criteria provided, single submitter. Criteria: Ambry Variant Classification Scheme 2023. Collection method: clinical testing. Allele origin: germline.
Comment: The p.Q164* pathogenic mutation (also known as c.490C>T), located in coding exon 3 of the VHL gene, results from a C to T substitution at nucleotide position 490. This changes the amino acid from a glutamine to a stop codon within coding exon 3. This alteration occurs at the 3' terminus of the VHL gene, is not expected to trigger nonsense-mediated mRNA decay, and only impacts the last 50 amino acids of the protein. However, premature stop codons are typically deleterious in nature and the impacted region is critical for protein function (Ambry internal data). This mutation has also been reported in multiple individuals with von Hippel-Lindau (VHL) syndrome (Coppin L et al. J Mol Diagn 2019 05;21(3):462-470; Oosting SF et al. J Nucl Med 2016 08;57(8):1244-50; Stolle C et al. Hum Mutat 1998 ;12(6):417-23; Nuemann HP et al. N Engl J Med 2002 May;346(19):1459-66; Hes FJ et al. Clin Genet 2007 Aug;72(2):122-9). Based on the supporting evidence, this alteration is interpreted as a disease-causing mutation.

Labcorp Genetics (formerly Invitae), Labcorp
Classification: Pathogenic for Von Hippel-Lindau syndrome; Chuvash polycythemia. Last evaluated: 2018-10-03. Review status: criteria provided, single submitter. Criteria: Invitae Variant Classification Sherloc (09022015). Collection method: clinical testing. Allele origin: germline.
Comment: This sequence change results in a premature translational stop signal in the VHL gene (p.Gln164*). While this is not anticipated to result in nonsense mediated decay, it is expected to disrupt the last 50 amino acids of the VHL protein. This variant is not present in population databases (ExAC no frequency). This variant has been observed in several individuals affected with von Hippel-Lindau syndrome (PMID: 8707293, 26920352, 9829911, 8956040). ClinVar contains an entry for this variant (Variation ID: 223228). This variant disrupts the C-terminus of the VHL protein. Other variant(s) that disrupt this region (p.Ser183*) have been determined to be pathogenic (PMID: 8707293, 10567493, 11309459). This suggests that variants that disrupt this region of the protein are likely to be causative of disease. For these reasons, this variant has been classified as Pathogenic.

Center for Human Genetics, Inc
Classification: Pathogenic for Von Hippel-Lindau syndrome. Last evaluated: 2016-11-01. Review status: criteria provided, single submitter. Criteria: ACMG Guidelines, 2015. Collection method: clinical testing. Allele origin: germline. Affected: yes.

GeneDx
Classification: Pathogenic. Last evaluated: 2015-09-15. Review status: criteria provided, single submitter. Criteria: GeneDx Variant Classification (06012015). Collection method: clinical testing. Allele origin: germline. Affected: yes.
Comment: The Q164X variant has been published previously in association with von Hippel-Lindau (VHL) syndrome and pheochromocytoma (Hes et al., 2007; Galvac et al., 1996; Neumann et al., 2002). It is predicted to cause loss of normal protein function through protein truncation as the last 50 amino acid residues are lost. In addition, Q146X was not observed in approximately 6,500 individuals of European and African American ancestry in the NHLBI Exome Sequencing Project, indicating it is not a common benign variant in these populations. Given the available evidence, we interpret Q164X as a pathogenic variant.

Genomic Diagnostic Laboratory, Division of Genomic Diagnostics, Children's Hospital of Philadelphia
Classification: Likely pathogenic for Von Hippel-Lindau syndrome. Last evaluated: 2016-02-26. Review status: no assertion criteria provided. Collection method: clinical testing. Allele origin: germline. Affected: yes. Observed: 4 variant alleles. Not counted in ClinVar's aggregate classification.

Literature cited by the submitters: PubMed 8707293 (cited by Labcorp Genetics (formerly Invitae), Labcorp); PubMed 26920352 (cited by Labcorp Genetics (formerly Invitae), Labcorp); PubMed 9829911 (cited by Labcorp Genetics (formerly Invitae), Labcorp); PubMed 8956040 (cited by Labcorp Genetics (formerly Invitae), Labcorp); PubMed 10567493 (cited by Labcorp Genetics (formerly Invitae), Labcorp); PubMed 11309459 (cited by Labcorp Genetics (formerly Invitae), Labcorp).

NM_000551.4(VHL):c.490C>T (p.Gln164Ter)

Genes: VHL (von Hippel-Lindau tumor suppressor; plus strand), LOC107303340 (3p25 von Hippel-Lindau tumor suppressor, E3 ubiquitin protein ligase Alu-mediated recombination region; plus strand). Cytogenetic location: 3p25.3.
Variant type: single nucleotide variant.
Coding change: c.490C>T on transcript NM_000551.4 (MANE Select); coding-DNA position 490, C replaced by T.
Protein change: p.Gln164Ter; replaces glutamine 164 with a stop codon.
Molecular consequence: nonsense. On other transcripts: 3 prime UTR variant (1).
Genome position (GRCh38, 1-based): chr3:10,149,813, C>T. VCF-style: chr3-10149813-C-T. GRCh37 (hg19) VCF-style: chr3-10191497-C-T.
Other names: c.*44C>T (NM_001354723.2); c.367C>T, p.Gln123Ter (NM_198156.3); short protein forms Q164*, Q123*.
Identifiers: ClinVar variation 223228 (VCV000223228.12), dbSNP rs5030819, ClinGen allele CA357060.